The following is an entry in ClinVar:

ClinVar aggregate classification (germline): Uncertain significance (1 of 4 stars; one submission).

Allele frequency attached by ClinVar (database versions not stated): gnomAD 0.00001.

Submission:

Labcorp Genetics (formerly Invitae), Labcorp
Classification: Uncertain significance. Last evaluated: 2020-12-28. Review status: criteria provided, single submitter. Criteria: Invitae Variant Classification Sherloc (09022015). Collection method: clinical testing. Allele origin: germline.
Comment: In summary, the available evidence is currently insufficient to determine the role of this variant in disease. Therefore, it has been classified as a Variant of Uncertain Significance. Advanced modeling of protein sequence and biophysical properties (such as structural, functional, and spatial information, amino acid conservation, physicochemical variation, residue mobility, and thermodynamic stability) performed at Invitae indicates that this missense variant is not expected to disrupt GRIN2D protein function. This variant has not been reported in the literature in individuals with GRIN2D-related conditions. The frequency data for this variant in the population databases is considered unreliable, as metrics indicate insufficient coverage at this position in the ExAC database. This sequence change replaces proline with serine at codon 999 of the GRIN2D protein (p.Pro999Ser). The proline residue is weakly conserved and there is a moderate physicochemical difference between proline and serine.

NM_000836.4(GRIN2D):c.2995C>T (p.Pro999Ser)

Gene: GRIN2D (glutamate ionotropic receptor NMDA type subunit 2D; plus strand). Cytogenetic location: 19q13.33.
Variant type: single nucleotide variant.
Coding change: c.2995C>T on transcript NM_000836.4 (MANE Select); coding-DNA position 2995, C replaced by T.
Protein change: p.Pro999Ser; replaces proline 999 with serine.
Molecular consequence: missense variant.
Genome position (GRCh38, 1-based): chr19:48,442,921, C>T. VCF-style: chr19-48442921-C-T. GRCh37 (hg19) VCF-style: chr19-48946178-C-T.
Other names: short protein forms P999S.
Identifiers: ClinVar variation 1487784 (VCV001487784.8), dbSNP rs1335583453, ClinGen allele CA406674562.